The following is an entry in ClinVar:

ClinVar aggregate classification (germline): Uncertain significance. Review status: criteria provided, multiple submitters, no conflicts (2 of 4 stars). 3 submissions from 3 submitters: Uncertain significance (2). 1 of the submissions does not count toward it. Last evaluated 2023-11-27.

Conditions:
Fanconi anemia (FA). Also called: Fanconi's anemia. Identifiers: Orphanet 84, MedGen C0015625, MeSH D005199, MONDO:0019391.
FANCA-related disorder. Also called: FANCA-related condition.
Fanconi anemia complementation group A (FANCA). Also called: Fanconi anemia, group A; FANCA-Related Fanconi Anemia. Identifiers: Orphanet 84, MedGen C3469521, MONDO:0009215, OMIM 227650.

Submissions (3):

Labcorp Genetics (formerly Invitae), Labcorp
Classification: Uncertain significance for Fanconi anemia. Last evaluated: 2023-11-27. Review status: criteria provided, single submitter. Criteria: Invitae Variant Classification Sherloc (09022015). Collection method: clinical testing. Allele origin: germline.
Comment: This sequence change replaces lysine, which is basic and polar, with asparagine, which is neutral and polar, at codon 867 of the FANCA protein (p.Lys867Asn). This variant also falls at the last nucleotide of exon 27, which is part of the consensus splice site for this exon. This variant is not present in population databases (gnomAD no frequency). This missense change has been observed in individual(s) with FANCA-related conditions (Invitae). In at least one individual the data is consistent with being in trans (on the opposite chromosome) from a pathogenic variant. ClinVar contains an entry for this variant (Variation ID: 974145). An algorithm developed to predict the effect of missense changes on protein structure and function (PolyPhen-2) suggests that this variant¬¨‚Ä†is likely to be tolerated. Variants that disrupt the consensus splice site are a relatively common cause of aberrant splicing (PMID: 17576681, 9536098). Algorithms developed to predict the effect of sequence changes on RNA splicing suggest that this variant may disrupt the consensus splice site. In summary, the available evidence is currently insufficient to determine the role of this variant in disease. Therefore, it has been classified as a Variant of Uncertain Significance.

PreventionGenetics, part of Exact Sciences
Classification: Uncertain significance for FANCA-related condition. Last evaluated: 2023-08-15. Review status: criteria provided, single submitter. Criteria: ACMG Guidelines, 2015. Collection method: clinical testing. Allele origin: germline.
Comment: The FANCA c.2601G>T variant is predicted to result in the amino acid substitution p.Lys867Asn. To our knowledge, this variant has not been reported in the literature or in a large population database, indicating this variant is rare. At this time, the clinical significance of this variant is uncertain due to the absence of conclusive functional and genetic evidence.

Leiden Open Variation Database
Classification: Uncertain significance for Fanconi anemia complementation group A. Last evaluated: 2020-02-28. Review status: no assertion criteria provided. Collection method: curation. Allele origin: germline. Affected: yes. Not counted in ClinVar's aggregate classification.
Comment: Curator: Arleen D. Auerbach. Submitter to LOVD: Arleen D. Auerbach.

Literature cited by the submitters: PubMed 17576681 (cited by Labcorp Genetics (formerly Invitae), Labcorp); PubMed 9536098 (cited by Labcorp Genetics (formerly Invitae), Labcorp).

NM_000135.4(FANCA):c.2601G>T (p.Lys867Asn)

Gene: FANCA (FA complementation group A; minus strand). Cytogenetic location: 16q24.3.
Variant type: single nucleotide variant.
Coding change: c.2601G>T on transcript NM_000135.4 (MANE Select); coding-DNA position 2601, G replaced by T.
Protein change: p.Lys867Asn; replaces lysine 867 with asparagine.
Molecular consequence: missense variant.
Genome position (GRCh38, 1-based): chr16:89,767,141, C>A on the plus strand (G>T on the coding strand, the complement: FANCA is on the minus strand). VCF-style: chr16-89767141-C-A. GRCh37 (hg19) VCF-style: chr16-89833549-C-A.
Other names: c.2601G>T, p.Lys867Asn (NM_001286167.3); short protein forms K867N.
Identifiers: ClinVar variation 974145 (VCV000974145.4), dbSNP rs746889340, ClinGen allele CA397440347.
Genomic context (GRCh38, chr16:89,767,141, plus strand): 5'-AAAGCTGCGTAAACCTGAAACGTATGGCAGAATGGAAAAATAGGAAAAGAGTGAACCTAC[C>A]TTTTTAATAAGGCCTGGAGATAAGCAGCTGCACAAAGTATCTCGTGACTGGGAAGAAAAC-3'
Protein context (NP_000126.2, residues 857-877): CSCLSPGLIK[Lys867Asn]FQFLMFRLFS